The following is an entry in ClinVar:

ClinVar aggregate classification (germline): Likely benign. Review status: criteria provided, multiple submitters, no conflicts (2 of 4 stars). 2 submissions from 2 submitters: Likely benign (2). Last evaluated 2024-11-26.

Allele frequency attached by ClinVar (database versions not stated): gnomAD 0.00073; TOPMed 0.00087; 1000 Genomes Project 30x 0.00172; gnomAD exomes 0.00473.
gnomAD v4.1: 321 of 1,098,970 alleles (0.029%); highest among the groups gnomAD compares: East Asian, 1.5%; 6 homozygotes.

Submissions (2):

Blueprint Genetics
Classification: Likely benign. Last evaluated: 2024-11-26. Review status: criteria provided, single submitter. Criteria: ACMG Guidelines, 2015. Collection method: clinical testing. Allele origin: germline.

GeneDx
Classification: Likely benign. Last evaluated: 2017-08-04. Review status: criteria provided, single submitter. Criteria: GeneDx Variant Classification (06012015). Collection method: clinical testing. Allele origin: germline. Affected: yes.
Comment: This variant is considered likely benign or benign based on one or more of the following criteria: it is a conservative change, it occurs at a poorly conserved position in the protein, it is predicted to be benign by multiple in silico algorithms, and/or has population frequency not consistent with disease.

NM_001039141.3(TRIOBP):c.5322+5264G>T

Gene: TRIOBP (TRIO and F-actin binding protein; plus strand). Cytogenetic location: 22q13.1.
Variant type: single nucleotide variant.
Coding change: c.5322+5264G>T on transcript NM_001039141.3 (MANE Select); 5264 bases into the intron after coding-DNA position 5322, G replaced by T.
Molecular consequence: intron variant. On other transcripts: missense variant (2).
Genome position (GRCh38, 1-based): chr22:37,746,296, G>T. VCF-style: chr22-37746296-G-T. GRCh37 (hg19) VCF-style: chr22-38142303-G-T.
Other names: c.59G>T, p.Arg20Leu (NM_007032.5, NM_138632.2); short protein forms R20L.
Identifiers: ClinVar variation 511080 (VCV000511080.2), dbSNP rs762586713, ClinGen allele CA10224596.
Genomic context (GRCh38, chr22:37,746,296, plus strand): 5'-TTATGGGCGGATGGAAGGGGCCGGGGCAGCGTCGGGGAAAGGAAGGGCCGGAGGCGCGGC[G>T]GCGGGCGGCCGAGAGGGGCGGCGGCGGCGGCGGCGGCGGGGTTCCCGCGCCGCGGAGCCC-3'